The following is an entry in ClinVar:

ClinVar aggregate classification (germline): Likely benign (0 of 4 stars; one submission).

Conditions:
STARD9-related disorder. Also called: STARD9-related condition.

Allele frequency attached by ClinVar (database versions not stated): TOPMed below 0.00001; gnomAD 0.00001; 1000 Genomes Project 0.00020; ExAC 0.00029; 1000 Genomes Project 30x 0.00031.
gnomAD v4.1: 49 of 1,537,220 alleles (0.0032%); highest among the groups gnomAD compares: South Asian, 0.036%; no homozygotes.

Submission:

PreventionGenetics, part of Exact Sciences
Classification: Likely benign for STARD9-related condition. Last evaluated: 2019-06-21. Review status: no assertion criteria provided. Collection method: clinical testing. Allele origin: germline.
Comment: This variant is classified as likely benign based on ACMG/AMP sequence variant interpretation guidelines (Richards et al. 2015 PMID: 25741868, with internal and published modifications).

NM_020759.3(STARD9):c.11307G>A (p.Ser3769=)

Gene: STARD9 (StAR related lipid transfer domain containing 9; plus strand). Cytogenetic location: 15q15.2.
Variant type: single nucleotide variant.
Coding change: c.11307G>A on transcript NM_020759.3 (MANE Select); coding-DNA position 11307, G replaced by A.
Protein change: p.Ser3769=; no amino-acid change (serine 3769 retained).
Molecular consequence: synonymous variant.
Genome position (GRCh38, 1-based): chr15:42,692,885, G>A. VCF-style: chr15-42692885-G-A. GRCh37 (hg19) VCF-style: chr15-42985083-G-A.
Identifiers: ClinVar variation 3042767 (VCV003042767.2), dbSNP rs570640325, ClinGen allele CA7514810.